The following is an entry in ClinVar:

ClinVar aggregate classification (germline): Uncertain significance (1 of 4 stars; one submission).

Conditions:
Tuberous sclerosis 1 (TSC1). Identifiers: Orphanet 805, MedGen C1854465, MONDO:0008612, OMIM 191100.

Submission:

Labcorp Genetics (formerly Invitae), Labcorp
Classification: Uncertain significance for Tuberous sclerosis 1. Last evaluated: 2022-11-01. Review status: criteria provided, single submitter. Criteria: Invitae Variant Classification Sherloc (09022015). Collection method: clinical testing. Allele origin: germline.
Comment: This variant is not present in population databases (gnomAD no frequency). In summary, the available evidence is currently insufficient to determine the role of this variant in disease. Therefore, it has been classified as a Variant of Uncertain Significance. Experimental studies and prediction algorithms are not available or were not evaluated, and the functional significance of this variant is currently unknown. ClinVar contains an entry for this variant (Variation ID: 1374013). This variant has not been reported in the literature in individuals affected with TSC1-related conditions. This sequence change creates a premature translational stop signal (p.Gln1150*) in the TSC1 gene. While this is not anticipated to result in nonsense mediated decay, it is expected to disrupt the last 15 amino acid(s) of the TSC1 protein.

NM_000368.5(TSC1):c.3448C>T (p.Gln1150Ter)

Gene: TSC1 (TSC complex subunit 1; minus strand). Cytogenetic location: 9q34.13.
Variant type: single nucleotide variant.
Coding change: c.3448C>T on transcript NM_000368.5 (MANE Select); coding-DNA position 3448, C replaced by T.
Protein change: p.Gln1150Ter; replaces glutamine 1150 with a stop codon.
Molecular consequence: nonsense.
Genome position (GRCh38, 1-based): chr9:132,896,282, G>A on the plus strand (C>T on the coding strand, the complement: TSC1 is on the minus strand). VCF-style: chr9-132896282-G-A. GRCh37 (hg19) VCF-style: chr9-135771669-G-A.
Other names: c.3445C>T, p.Gln1149Ter (NM_001162426.2); c.3295C>T, p.Gln1099Ter (NM_001162427.2); c.3085C>T, p.Gln1029Ter (NM_001362177.2); short protein forms Q1150*, Q1029*, Q1099*, Q1149*.
Identifiers: ClinVar variation 1374013 (VCV001374013.6), dbSNP rs2131586779, ClinGen allele CA375366357.